The following is an entry in ClinVar:

NM_001148.6(ANK2):c.384+7C>T

Gene: ANK2 (ankyrin 2; plus strand). Cytogenetic location: 4q25.
Variant type: single nucleotide variant.
Coding change: c.384+7C>T on transcript NM_001148.6 (MANE Select); 7 bases into the intron after coding-DNA position 384, C replaced by T.
Molecular consequence: intron variant.
Genome position (GRCh38, 1-based): chr4:113,199,116, C>T. VCF-style: chr4-113199116-C-T. GRCh37 (hg19) VCF-style: chr4-114120272-C-T.
Other names: c.372+7C>T (NM_001386186.2, NM_001386148.2, NM_001354269.3 and 1 more transcripts); c.366+7C>T (NM_001386147.1, NM_001386160.1, NM_001354261.2); c.321+7C>T (NM_001354254.2, NM_001354239.2, NM_001354252.2 and 33 more transcripts); c.429+7C>T (NM_001354241.2, NM_001386152.1, NM_001354237.2 and 5 more transcripts); c.384+7C>T (NM_001354225.2, NM_001354235.2, NM_001354246.2 and 9 more transcripts); c.435+7C>T (NM_001386174.1, NM_001386175.1).
Identifiers: ClinVar variation 507909 (VCV000507909.1), dbSNP rs1554262410, ClinGen allele CA658796459.

ClinVar aggregate classification (germline): Likely benign (1 of 4 stars; one submission).

Submission:

GeneDx
Classification: Likely benign. Last evaluated: 2017-03-15. Review status: criteria provided, single submitter. Criteria: GeneDx Variant Classification (06012015). Collection method: clinical testing. Allele origin: germline. Affected: yes.
Comment: This variant is considered likely benign or benign based on one or more of the following criteria: it is a conservative change, it occurs at a poorly conserved position in the protein, it is predicted to be benign by multiple in silico algorithms, and/or has population frequency not consistent with disease.